The following is an entry in ClinVar:

ClinVar aggregate classification (germline): Uncertain significance (1 of 4 stars; one submission).

Allele frequency attached by ClinVar (database versions not stated): ExAC 0.00001; gnomAD exomes 0.00001 and 0.00002.
gnomAD v4.1: 29 of 1,614,084 alleles (0.0018%); highest among the groups gnomAD compares: Non-Finnish European, 0.0025%; no homozygotes.

Submission:

Labcorp Genetics (formerly Invitae), Labcorp
Classification: Uncertain significance. Last evaluated: 2023-12-22. Review status: criteria provided, single submitter. Criteria: Invitae Variant Classification Sherloc (09022015). Collection method: clinical testing. Allele origin: germline.
Comment: This sequence change replaces histidine, which is basic and polar, with arginine, which is basic and polar, at codon 1118 of the SIN3A protein (p.His1118Arg). This variant is present in population databases (rs761497249, gnomAD 0.003%). This variant has not been reported in the literature in individuals affected with SIN3A-related conditions. ClinVar contains an entry for this variant (Variation ID: 1498440). Advanced modeling of protein sequence and biophysical properties (such as structural, functional, and spatial information, amino acid conservation, physicochemical variation, residue mobility, and thermodynamic stability) performed at Invitae indicates that this missense variant is not expected to disrupt SIN3A protein function with a negative predictive value of 80%. In summary, the available evidence is currently insufficient to determine the role of this variant in disease. Therefore, it has been classified as a Variant of Uncertain Significance.

NM_001145358.2(SIN3A):c.3353A>G (p.His1118Arg)

Gene: SIN3A (SIN3 transcription regulator family member A; minus strand). Cytogenetic location: 15q24.2.
Variant type: single nucleotide variant.
Coding change: c.3353A>G on transcript NM_001145358.2 (MANE Select); coding-DNA position 3353, A replaced by G.
Protein change: p.His1118Arg; replaces histidine 1118 with arginine.
Molecular consequence: missense variant.
Genome position (GRCh38, 1-based): chr15:75,380,659, T>C on the plus strand (A>G on the coding strand, the complement: SIN3A is on the minus strand). VCF-style: chr15-75380659-T-C. GRCh37 (hg19) VCF-style: chr15-75673000-T-C.
Other names: c.3353A>G, p.His1118Arg (NM_001145357.2, NM_015477.3); short protein forms H1118R.
Identifiers: ClinVar variation 1498440 (VCV001498440.6), dbSNP rs761497249, ClinGen allele CA7667270.